The following is an entry in ClinVar:

ClinVar aggregate classification (germline): Uncertain significance. Review status: criteria provided, multiple submitters, no conflicts (2 of 4 stars). 2 submissions from 2 submitters: Uncertain significance (2). Last evaluated 2025-03-07.

gnomAD v4.1: 28 of 1,612,550 alleles (0.0017%); highest among the groups gnomAD compares: Non-Finnish European, 0.0022%; no homozygotes.

Submissions (2):

Ambry Genetics
Classification: Uncertain significance. Last evaluated: 2025-03-07. Review status: criteria provided, single submitter. Criteria: Ambry Variant Classification Scheme 2023. Collection method: clinical testing. Allele origin: germline.

Labcorp Genetics (formerly Invitae), Labcorp
Classification: Uncertain significance. Last evaluated: 2024-03-23. Review status: criteria provided, single submitter. Criteria: Invitae Variant Classification Sherloc (09022015). Collection method: clinical testing. Allele origin: germline.
Comment: This sequence change replaces valine, which is neutral and non-polar, with alanine, which is neutral and non-polar, at codon 214 of the SUCLG2 protein (p.Val214Ala). This variant is present in population databases (rs776813548, gnomAD 0.002%). This variant has not been reported in the literature in individuals affected with SUCLG2-related conditions. An algorithm developed to predict the effect of missense changes on protein structure and function (PolyPhen-2) suggests that this variant is likely to be tolerated. In summary, the available evidence is currently insufficient to determine the role of this variant in disease. Therefore, it has been classified as a Variant of Uncertain Significance.

NM_003848.4(SUCLG2):c.641T>C (p.Val214Ala)

Gene: SUCLG2 (succinate-CoA ligase GDP-forming subunit beta; minus strand). Cytogenetic location: 3p14.1.
Variant type: single nucleotide variant.
Coding change: c.641T>C on transcript NM_003848.4 (MANE Select); coding-DNA position 641, T replaced by C.
Protein change: p.Val214Ala; replaces valine 214 with alanine.
Molecular consequence: missense variant.
Genome position (GRCh38, 1-based): chr3:67,518,266, A>G on the plus strand (T>C on the coding strand, the complement: SUCLG2 is on the minus strand). VCF-style: chr3-67518266-A-G. GRCh37 (hg19) VCF-style: chr3-67568690-A-G.
Other names: c.641T>C (NM_001177599.1); c.641T>C, p.Val214Ala (NM_001177599.2); short protein forms V214A.
Identifiers: ClinVar variation 3703077 (VCV003703077.3).